The following is an entry in ClinVar:

NM_001330078.2(NRXN1):c.2873T>C (p.Val958Ala)

Gene: NRXN1 (neurexin 1; minus strand). Cytogenetic location: 2p16.3.
Variant type: single nucleotide variant.
Coding change: c.2873T>C on transcript NM_001330078.2 (MANE Select); coding-DNA position 2873, T replaced by C.
Protein change: p.Val958Ala; replaces valine 958 with alanine.
Molecular consequence: missense variant.
Genome position (GRCh38, 1-based): chr2:50,497,339, A>G on the plus strand (T>C on the coding strand, the complement: NRXN1 is on the minus strand). VCF-style: chr2-50497339-A-G. GRCh37 (hg19) VCF-style: chr2-50724477-A-G.
Other names: c.2993T>C, p.Val998Ala (NM_001135659.3); c.2849T>C, p.Val950Ala (NM_001330077.2, NM_001330082.2); c.2807T>C, p.Val936Ala (NM_001330083.2, NM_001330084.2); c.2846T>C, p.Val949Ala (NM_001330085.2); c.2873T>C, p.Val958Ala (NM_001330086.2, NM_004801.6); c.2762T>C, p.Val921Ala (NM_001330087.2, NM_001330096.2); c.2792T>C, p.Val931Ala (NM_001330088.2); c.2870T>C, p.Val957Ala (NM_001330093.2); and 2 more; short protein forms V921A, V949A, V957A, V958A, V931A, V998A, V936A, V950A.
Identifiers: ClinVar variation 1517065 (VCV001517065.8), dbSNP rs2091692715, ClinGen allele CA346776686.
Genomic context (GRCh38, chr2:50,497,339, plus strand): 5'-ACGTCCATTTTTCCAAAGTTTTATTTATTTGCTATTGAACAGGCATGTACTCACCCTTTA[A>G]CTAATTCAACCACAATAAAGTCATTTCCATCCCCACTGTTATATAGAATTAATCCATCTA-3'
Protein context (NP_001317007.1, residues 948-968): DGNDFIVVEL[Val958Ala]KGYLHYVFDL

ClinVar aggregate classification (germline): Uncertain significance (1 of 4 stars; one submission).

Conditions:
Pitt-Hopkins-like syndrome 2 (PTHSL2). Identifiers: Orphanet 221150, Orphanet 600663, MedGen C3280479, MONDO:0013690, OMIM 614325.

Submission:

Labcorp Genetics (formerly Invitae), Labcorp
Classification: Uncertain significance for Pitt-Hopkins-like syndrome 2. Last evaluated: 2024-02-08. Review status: criteria provided, single submitter. Criteria: Invitae Variant Classification Sherloc (09022015). Collection method: clinical testing. Allele origin: germline.
Comment: This sequence change replaces valine, which is neutral and non-polar, with alanine, which is neutral and non-polar, at codon 998 of the NRXN1 protein (p.Val998Ala). This variant is not present in population databases (gnomAD no frequency). This variant has not been reported in the literature in individuals affected with NRXN1-related conditions. ClinVar contains an entry for this variant (Variation ID: 1517065). An algorithm developed to predict the effect of missense changes on protein structure and function (PolyPhen-2) suggests that this variant is likely to be tolerated. In summary, the available evidence is currently insufficient to determine the role of this variant in disease. Therefore, it has been classified as a Variant of Uncertain Significance.